The following is an entry in ClinVar:

NM_002485.5(NBN):c.2215_2217del (p.Leu739del)

Gene: NBN (nibrin; minus strand). Cytogenetic location: 8q21.3.
Variant type: Deletion.
Coding change: c.2215_2217del on transcript NM_002485.5 (MANE Select); coding-DNA positions 2215 to 2217, 3 bases deleted (CTT; older notation c.2215_2217delCTT).
Protein change: p.Leu739del; deletes leucine 739.
Molecular consequence: inframe deletion.
Genome position (GRCh38, 1-based): chr8:89,937,043-89,937,045, AAG deleted on the plus strand (CTT on the coding strand, the reverse complement: NBN is on the minus strand); deleting any 3 consecutive bases within chr8:89,937,043-89,937,046 gives the same sequence; the c. name uses the placement nearest the transcript's 3' end. VCF-style (leftmost placement, unchanged base first): chr8-89937042-CAAG-C. GRCh37 (hg19) VCF-style: chr8-90949270-CAAG-C.
Other names: c.1969_1971del, p.Leu657del (NM_001024688.3); short protein forms L739del, L657del.
Identifiers: ClinVar variation 2820864 (VCV002820864.3), dbSNP rs2488169416, ClinGen allele CA2739268856.

ClinVar aggregate classification (germline): Uncertain significance (1 of 4 stars; one submission).

Conditions:
Microcephaly, normal intelligence and immunodeficiency (NBS). Also called: SEEMANOVA SYNDROME II; IMMUNODEFICIENCY, MICROCEPHALY, AND CHROMOSOMAL INSTABILITY; Nijmegen breakage syndrome; Microcephaly with normal intelligence immunodeficiency and lymphoreticular malignancies; Nonsyndromal microcephaly autosomal recessive with normal intelligence; Seemanova syndrome 2. Identifiers: Orphanet 647, MedGen C0398791, MONDO:0009623, OMIM 251260.

Submission:

Labcorp Genetics (formerly Invitae), Labcorp
Classification: Uncertain significance for Microcephaly, normal intelligence and immunodeficiency. Last evaluated: 2022-12-14. Review status: criteria provided, single submitter. Criteria: Invitae Variant Classification Sherloc (09022015). Collection method: clinical testing. Allele origin: germline.
Comment: In summary, the available evidence is currently insufficient to determine the role of this variant in disease. Therefore, it has been classified as a Variant of Uncertain Significance. Experimental studies and prediction algorithms are not available or were not evaluated, and the functional significance of this variant is currently unknown. This variant has not been reported in the literature in individuals affected with NBN-related conditions. This variant is not present in population databases (gnomAD no frequency). This variant, c.2215_2217del, results in the deletion of 1 amino acid(s) of the NBN protein (p.Leu739del), but otherwise preserves the integrity of the reading frame.